The following is an entry in ClinVar:

NM_001164277.2(SLC37A4):c.991A>G (p.Ile331Val)

Gene: SLC37A4 (solute carrier family 37 member 4; minus strand). Cytogenetic location: 11q23.3.
Variant type: single nucleotide variant.
Coding change: c.991A>G on transcript NM_001164277.2 (MANE Select); coding-DNA position 991, A replaced by G.
Protein change: p.Ile331Val; replaces isoleucine 331 with valine.
Molecular consequence: missense variant.
Genome position (GRCh38, 1-based): chr11:119,025,323, T>C on the plus strand (A>G on the coding strand, the complement: SLC37A4 is on the minus strand). VCF-style: chr11-119025323-T-C. GRCh37 (hg19) VCF-style: chr11-118896033-T-C.
Other names: c.1057A>G, p.Ile353Val (NM_001164278.2); c.772A>G, p.Ile258Val (NM_001164279.2); c.991A>G, p.Ile331Val (NM_001164280.2, NM_001467.6); short protein forms I331V, I353V, I258V.
Identifiers: ClinVar variation 215181 (VCV000215181.34), dbSNP rs201967384, ClinGen allele CA323953.
Genomic context (GRCh38, chr11:119,025,323, plus strand): 5'-CTCCAAACAGGGCAATGGGGCCATACGAGGAGAAACCAAATACAGCTCCCAATACCAGGA[T>C]CCAGAGCTGCCAAGGGCAGAGTGGAGTGGCATTCAGAGTCGGAAAGCCGACCTGCCTACC-3'
Protein context (NP_001157749.1, residues 321-341): TVTSDSPKLW[Ile331Val]LVLGAVFGFS

ClinVar aggregate classification (germline): Conflicting classifications of pathogenicity. Review status: criteria provided, conflicting classifications (1 of 4 stars). 7 submissions from 7 submitters: Uncertain significance (2); Benign (1); Likely benign (2). 2 of the submissions do not count toward it. Last evaluated 2026-01-28.

Conditions:
SLC37A4-related disorder. Also called: SLC37A4-related condition.
Inborn genetic diseases. Identifiers: MedGen C0950123, MeSH D030342.
Glucose-6-phosphate transport defect (GSD1B). Also called: Glycogen Storage Disease Type Ib; GSD Ib. Identifiers: Orphanet 364, Orphanet 79259, MedGen C0268146, MONDO:0009288, OMIM 232220.

Allele frequency attached by ClinVar (database versions not stated): gnomAD 0.00002 and 0.00029; TOPMed 0.00005; ESP Exome Variant Server 0.00008; gnomAD exomes 0.00049 and 0.00109; 1000 Genomes Project 30x 0.00125; ExAC 0.00147; 1000 Genomes Project 0.00160.

Submissions (7):

Labcorp Genetics (formerly Invitae), Labcorp
Classification: Benign for Glucose-6-phosphate transport defect. Last evaluated: 2026-01-28. Review status: criteria provided, single submitter. Criteria: Invitae Variant Classification Sherloc (09022015). Collection method: clinical testing. Allele origin: germline.

CeGaT Center for Human Genetics Tuebingen
Classification: Likely benign. Last evaluated: 2024-12-01. Review status: criteria provided, single submitter. Criteria: CeGaT Center For Human Genetics Tuebingen Variant Classification Criteria Version 2. Collection method: clinical testing. Allele origin: germline. Affected: yes. Observed: 2 variant alleles.
Comment: SLC37A4: BS2

Blueprint Genetics
Classification: Likely benign. Last evaluated: 2024-11-06. Review status: criteria provided, single submitter. Criteria: ACMG Guidelines, 2015. Collection method: clinical testing. Allele origin: germline.

Ambry Genetics
Classification: Uncertain significance for Inborn genetic diseases. Last evaluated: 2024-05-21. Review status: criteria provided, single submitter. Criteria: Ambry Variant Classification Scheme 2023. Collection method: clinical testing. Allele origin: germline.
Comment: The p.I331V variant (also known as c.991A>G), located in coding exon 7 of the SLC37A4 gene, results from an A to G substitution at nucleotide position 991. The isoleucine at codon 331 is replaced by valine, an amino acid with highly similar properties. This amino acid position is conserved. In addition, this alteration is predicted to be deleterious by in silico analysis. Since supporting evidence is limited at this time, the clinical significance of this alteration remains unclear.

GeneDx
Classification: Uncertain significance. Last evaluated: 2017-08-10. Review status: criteria provided, single submitter. Criteria: GeneDx Variant Classification (06012015). Collection method: clinical testing. Allele origin: germline. Affected: yes.
Comment: p.Ile331Val (ATC>GTC): c.991 A>G in exon 9 of the SLC37A4 gene (NM_001164277.1) The I331V variant has not been published as a mutation, nor has it been reported as a benign polymorphism to our knowledge. Mutations in the SLC37A4 gene are associated with the autosomal recessive disorders glycogen storage disease Ib and Ic.The I331V variant is a conservative amino acid substitution, which is not likely to impact secondary protein structure as these residues share similar properties. This substitution occurs at a position where amino acids with similar properties as Isoleucine are conserved. In silico analysis predicts this variant likely does not alter the protein structure/function. Therefore, based on the currently available information, it is unclear whether this variant is a pathogenic mutation or a rare benign variant. The variant is found in MITONUC-MITOP panel(s).

Natera, Inc.
Classification: Benign for Glycogen storage disease type Ib. Last evaluated: 2020-04-16. Review status: no assertion criteria provided. Collection method: clinical testing. Allele origin: germline. Not counted in ClinVar's aggregate classification.

PreventionGenetics, part of Exact Sciences
Classification: Likely benign for SLC37A4-related condition. Last evaluated: 2020-03-16. Review status: no assertion criteria provided. Collection method: clinical testing. Allele origin: germline. Not counted in ClinVar's aggregate classification.
Comment: This variant is classified as likely benign based on ACMG/AMP sequence variant interpretation guidelines (Richards et al. 2015 PMID: 25741868, with internal and published modifications).